The following is an entry in ClinVar:

NM_024334.3(TMEM43):c.1100G>A (p.Gly367Asp)

Gene: TMEM43 (transmembrane protein 43; plus strand). Cytogenetic location: 3p25.1.
Variant type: single nucleotide variant.
Coding change: c.1100G>A on transcript NM_024334.3 (MANE Select); coding-DNA position 1100, G replaced by A.
Protein change: p.Gly367Asp; replaces glycine 367 with aspartic acid.
Molecular consequence: missense variant.
Genome position (GRCh38, 1-based): chr3:14,141,692, G>A. VCF-style: chr3-14141692-G-A. GRCh37 (hg19) VCF-style: chr3-14183192-G-A.
Other names: p.G367D:GGC>GAC; short protein forms G367D.
Identifiers: ClinVar variation 202122 (VCV000202122.9), dbSNP rs794729179, ClinGen allele CA024580.

ClinVar aggregate classification (germline): Conflicting classifications of pathogenicity. Review status: criteria provided, conflicting classifications (1 of 4 stars). 2 submissions from 2 submitters: Likely pathogenic (1); Uncertain significance (1). Last evaluated 2025-03-07.

Conditions:
Arrhythmogenic right ventricular dysplasia 5. Also called: ARRHYTHMOGENIC RIGHT VENTRICULAR DYSPLASIA, FAMILIAL, 5; Arrhythmogenic Right Ventricular Dysplasia/Cardiomyopathy 5. Identifiers: MedGen C1858379, MONDO:0011459, OMIM 604400.

Submissions (2):

Labcorp Genetics (formerly Invitae), Labcorp
Classification: Uncertain significance for Arrhythmogenic right ventricular dysplasia 5. Last evaluated: 2025-03-07. Review status: criteria provided, single submitter. Criteria: Invitae Variant Classification Sherloc (09022015). Collection method: clinical testing. Allele origin: germline.
Comment: This sequence change replaces glycine, which is neutral and non-polar, with aspartic acid, which is acidic and polar, at codon 367 of the TMEM43 protein (p.Gly367Asp). This variant is not present in population databases (gnomAD no frequency). This variant has not been reported in the literature in individuals affected with TMEM43-related conditions. ClinVar contains an entry for this variant (Variation ID: 202122). Invitae Evidence Modeling of protein sequence and biophysical properties (such as structural, functional, and spatial information, amino acid conservation, physicochemical variation, residue mobility, and thermodynamic stability) indicates that this missense variant is expected to disrupt TMEM43 protein function with a positive predictive value of 80%. In summary, the available evidence is currently insufficient to determine the role of this variant in disease. Therefore, it has been classified as a Variant of Uncertain Significance.

GeneDx
Classification: Likely pathogenic. Last evaluated: 2014-04-27. Review status: criteria provided, single submitter. Criteria: GeneDx Variant Classification (06012015). Collection method: clinical testing. Allele origin: germline. Affected: yes.
Comment: p.Gly367Asp (G367D) GGC>GAC: c.1100 G>A in exon 12 of the TMEM43 gene (NM_024334.2). A G367D variant that is likely pathogenic was identified in the TMEM43 gene. It has not been published as a mutation, nor has it been reported as a benign polymorphism to our knowledge. The G367D variant was not observed in approximately 6,500 individuals of European and African American ancestry in the NHLBI Exome Sequencing Project, indicating it is not a common benign variant in these populations. The G367D variant is a non-conservative amino acid substitution, which is likely to impact secondary protein structure as these residues differ in polarity, charge, size and/or other properties. This substitution occurs at a position that is conserved across species. In silico analysis predicts this variant is probably damaging to the protein structure/function. A missense mutation in a nearby residue (S358L) have been reported in association with ARVC, supporting the functional importance of this region of the protein. Therefore, this variant is a strong candidate for a pathogenic mutation, however the possibility that it is a benign variant cannot be excluded. The variant is found in ARVC panel(s).